The following is an entry in ClinVar:

ClinVar aggregate classification (germline): Uncertain significance (1 of 4 stars; one submission).

Conditions:
Inborn genetic diseases. Identifiers: MedGen C0950123, MeSH D030342.

Submission:

Ambry Genetics
Classification: Uncertain significance for Inborn genetic diseases. Last evaluated: 2024-12-07. Review status: criteria provided, single submitter. Criteria: Ambry Variant Classification Scheme 2023. Collection method: clinical testing. Allele origin: germline.
Comment: The p.I126V variant (also known as c.376A>G) is located in coding exon 3 of the MECOM gene. The isoleucine at codon 126 is replaced by valine, an amino acid with highly similar properties. This change occurs in the first base pair of coding exon 3. This amino acid position is conserved. In addition, this alteration is predicted to be tolerated by in silico analysis. Based on the available evidence, the clinical significance of this variant remains unclear.

NM_004991.4(MECOM):c.376A>G (p.Ile126Val)

Gene: MECOM (MDS1 and EVI1 complex locus; minus strand). Cytogenetic location: 3q26.2.
Variant type: single nucleotide variant.
Coding change: c.376A>G on transcript NM_004991.4 (MANE Select); coding-DNA position 376, A replaced by G.
Protein change: p.Ile126Val; replaces isoleucine 126 with valine.
Molecular consequence: missense variant. On other transcripts: 5 prime UTR variant (12).
Genome position (GRCh38, 1-based): chr3:169,143,832, T>C on the plus strand (A>G on the coding strand, the complement: MECOM is on the minus strand). VCF-style: chr3-169143832-T-C. GRCh37 (hg19) VCF-style: chr3-168861620-T-C.
Other names: c.4A>G, p.Ile2Val (NM_001105077.4); c.-189A>G (NM_001105078.4, NM_001163999.2, NM_001164000.2 and 9 more transcripts); c.376A>G, p.Ile126Val (NM_001366466.2, NM_001366473.2); short protein forms I126V, I2V.
Identifiers: ClinVar variation 3394377 (VCV003394377.1).
Genomic context (GRCh38, chr3:169,143,832, plus strand): 5'-TTCCAACATCTGGTTGACTGGCATCTATGCAGAACTTCACATTGTAAAATTCGTCTAAGA[T>C]CTGGAGGGAAGAAGATGAGAACAATCAATTGCCATATTGGCCCACTCATTAAAATAATCA-3'
Protein context (NP_004982.2, residues 116-136): NLKDPSYGWE[Ile126Val]LDEFYNVKFC